The following is an entry in ClinVar:

ClinVar aggregate classification (germline): Uncertain significance (1 of 4 stars; one submission).

Submission:

Labcorp Genetics (formerly Invitae), Labcorp
Classification: Uncertain significance. Last evaluated: 2025-12-03. Review status: criteria provided, single submitter. Criteria: Invitae Variant Classification Sherloc (09022015). Collection method: clinical testing. Allele origin: germline.
Comment: This sequence change replaces threonine, which is neutral and polar, with isoleucine, which is neutral and non-polar, at codon 176 of the TNFRSF11A protein (p.Thr176Ile). This variant is not present in population databases (gnomAD no frequency). This variant has not been reported in the literature in individuals affected with TNFRSF11A-related conditions. Invitae Evidence Modeling of protein sequence and biophysical properties (such as structural, functional, and spatial information, amino acid conservation, physicochemical variation, residue mobility, and thermodynamic stability) indicates that this missense variant is expected to disrupt TNFRSF11A protein function with a positive predictive value of 80%. In summary, the available evidence is currently insufficient to determine the role of this variant in disease. Therefore, it has been classified as a Variant of Uncertain Significance.

NM_003839.4(TNFRSF11A):c.527C>T (p.Thr176Ile)

Gene: TNFRSF11A (TNF receptor superfamily member 11a; plus strand). Cytogenetic location: 18q21.33.
Variant type: single nucleotide variant.
Coding change: c.527C>T on transcript NM_003839.4 (MANE Select); coding-DNA position 527, C replaced by T.
Protein change: p.Thr176Ile; replaces threonine 176 with isoleucine.
Molecular consequence: missense variant.
Genome position (GRCh38, 1-based): chr18:62,359,960, C>T. VCF-style: chr18-62359960-C-T. GRCh37 (hg19) VCF-style: chr18-60027193-C-T.
Other names: c.527C>T, p.Thr176Ile (NM_001270949.2, NM_001270950.2, NM_001270951.2); c.485C>T, p.Thr162Ile (NM_001278268.2); short protein forms T176I, T162I.
Identifiers: ClinVar variation 4781784 (VCV004781784.1).